The following is an entry in ClinVar:

NM_001386298.1(CIC):c.1654C>T (p.Arg552Cys)

Gene: CIC (capicua transcriptional repressor; plus strand). Cytogenetic location: 19q13.2.
Variant type: single nucleotide variant.
Coding change: c.1654C>T on transcript NM_001386298.1 (MANE Select); coding-DNA position 1654, C replaced by T.
Protein change: p.Arg552Cys; replaces arginine 552 with cysteine.
Molecular consequence: missense variant.
Genome position (GRCh38, 1-based): chr19:42,273,437, C>T. VCF-style: chr19-42273437-C-T. GRCh37 (hg19) VCF-style: chr19-42777589-C-T.
Other names: c.1654C>T, p.Arg552Cys (NM_001304815.2, NM_001379480.1, NM_001379482.1 and 1 more transcripts); short protein forms R552C.
Identifiers: ClinVar variation 2649958 (VCV002649958.24), dbSNP rs1053625942, ClinGen allele CA308615424.

ClinVar aggregate classification (germline): Likely benign (1 of 4 stars; one submission).

Allele frequency attached by ClinVar (database versions not stated): gnomAD 0.00002; gnomAD exomes 0.00003; TOPMed 0.00003.
gnomAD v4.1: 10 of 398,380 alleles (0.0025%); highest among the groups gnomAD compares: Middle Eastern, 0.062%; no homozygotes.

Submission:

CeGaT Center for Human Genetics Tuebingen
Classification: Likely benign. Last evaluated: 2022-11-01. Review status: criteria provided, single submitter. Criteria: CeGaT Center For Human Genetics Tuebingen Variant Classification Criteria Version 2. Collection method: clinical testing. Allele origin: germline. Affected: yes. Observed: 1 variant allele.
Comment: CIC: BP1